The following is an entry in ClinVar:

ClinVar aggregate classification (germline): Conflicting classifications of pathogenicity. Review status: criteria provided, conflicting classifications (1 of 4 stars). 13 submissions from 12 submitters: Pathogenic (10); Likely pathogenic (2); Uncertain significance (1). Last evaluated 2026-08-17.

Conditions:
KCNT1-related disorder. Also called: KCNT1-related condition.
Inborn genetic diseases. Identifiers: MedGen C0950123, MeSH D030342.
Developmental and epileptic encephalopathy, 14 (DEE14). Also called: Early infantile epileptic encephalopathy 14. Identifiers: Orphanet 293181, MedGen C3554195, MONDO:0013989, OMIM 614959.
Autosomal dominant nocturnal frontal lobe epilepsy 5. Also called: CILIARY DYSKINESIA, PRIMARY, 28, WITH SITUS INVERSUS; CILIARY DYSKINESIA, PRIMARY, 28, WITHOUT SITUS INVERSUS; KCNT1-Related Epilepsy; Epilepsy, nocturnal frontal lobe, 5. Identifiers: Orphanet 98784, MedGen C3554306, MONDO:0014002, OMIM 615005.
Autosomal dominant nocturnal frontal lobe epilepsy 1. Also called: EPILEPSY, NOCTURNAL FRONTAL LOBE, TYPE 1; CHRNA4-Related Nocturnal Frontal Lobe Epilepsy, Autosomal Dominant. Identifiers: Orphanet 98784, MedGen C1838049, MONDO:0010899, OMIM 600513.
Seizure. Also called: Seizures. Identifiers: MedGen C0036572, HP:0001250.

Submissions (13):

Institute of Human Genetics, University of Leipzig Medical Center
Classification: Pathogenic for Autosomal dominant nocturnal frontal lobe epilepsy 1. Last evaluated: 2026-08-17. Review status: criteria provided, single submitter. Criteria: ACMG Guidelines, 2015. Collection method: clinical testing. Allele origin: unknown. Inheritance: Autosomal dominant inheritance. Affected: yes.
Comment: Criteria applied: PS2_VSTR,PS4,PM2,PM5

Labcorp Genetics (formerly Invitae), Labcorp
Classification: Pathogenic for Autosomal dominant nocturnal frontal lobe epilepsy 5; Developmental and epileptic encephalopathy, 14. Last evaluated: 2026-01-11. Review status: criteria provided, single submitter. Criteria: Invitae Variant Classification Sherloc (09022015). Collection method: clinical testing. Allele origin: germline.
Comment: This sequence change replaces arginine, which is basic and polar, with glutamine, which is neutral and polar, at codon 950 of the KCNT1 protein (p.Arg950Gln). This variant is not present in population databases (gnomAD no frequency). This missense change has been observed in individual(s) with infantile seizures, epilepsy and developmental delay (PMID: 26122718, 27029629, 29100083). In at least one individual the variant was observed to be de novo. ClinVar contains an entry for this variant (Variation ID: 286710). Invitae Evidence Modeling of protein sequence and biophysical properties (such as structural, functional, and spatial information, amino acid conservation, physicochemical variation, residue mobility, and thermodynamic stability) indicates that this missense variant is not expected to disrupt KCNT1 protein function with a negative predictive value of 80%. This variant disrupts the p.Arg950 amino acid residue in KCNT1. Other variant(s) that disrupt this residue have been determined to be pathogenic (internal data database). This suggests that this residue is clinically significant, and that variants that disrupt this residue are likely to be disease-causing. For these reasons, this variant has been classified as Pathogenic.

PreventionGenetics, part of Exact Sciences
Classification: Pathogenic for KCNT1-related condition. Last evaluated: 2025-11-17. Review status: criteria provided, single submitter. Criteria: ACMG Guidelines, 2015. Collection method: clinical testing. Allele origin: germline.
Comment: The KCNT1 c.2849G>A variant is predicted to result in the amino acid substitution p.Arg950Gln. This variant has been reported in at least 12 individuals with KCNT1-related epilepsy and is documented to have occurred de novo in the majority of cases (see for example: Møller et al. 2015. PubMed ID: 26122718; Rubboli et al. 2019. PubMed ID: 30847371; Costain et al. 2019. PubMed ID: 31487502; Borlot et al. 2020. PubMed ID: 32167590). In vitro experimental studies suggest that this variant impacts protein function (Dilena et al. 2018. PubMed ID: 30112700). This variant has not been reported in a large population database (gnomAD), indicating it is rare or absent in the general population. Taken together, this variant is interpreted as pathogenic.

Ambry Genetics
Classification: Pathogenic for Inborn genetic diseases. Last evaluated: 2023-10-26. Review status: criteria provided, single submitter. Criteria: Ambry Variant Classification Scheme 2023. Collection method: clinical testing. Allele origin: germline.
Comment: The c.2849G>A (p.R950Q) alteration is located in exon 25 (coding exon 25) of the KCNT1 gene. This alteration results from a G to A substitution at nucleotide position 2849, causing the arginine (R) at amino acid position 950 to be replaced by a glutamine (Q). This variant was not reported in population-based cohorts in the Genome Aggregation Database (gnomAD). This alteration has been detected in the heterozygous state in multiple individuals with clinical features of KCNT1-related neurodevelopmental disorder and has been determined to be the result of a de novo mutation multiple individuals (Bonardi, 2021; Borlot, 2020; Costain, 2019; Dilena, 2018; Hamdan, 2017; Hildebrand, 2016; M&oslash;ller, 2015). In addition, this alteration was reported to cosegregate with disease in one family (Rubboli, 2019). This amino acid position is highly conserved in available vertebrate species. In vitro functional studies indicate this alteration leads to a shift in the half-activation voltage and support a gain-of-function impact on channel properties (Hinckley, 2023; Dilena, 2018). The in silico prediction for this alteration is inconclusive. Based on the available evidence, this alteration is classified as pathogenic.

Institute for Medical Genetics and Human Genetics, Charité - Universitätsmedizin Berlin
Classification: Likely pathogenic for Developmental and epileptic encephalopathy, 14. Last evaluated: 2022-09-27. Review status: criteria provided, single submitter. Criteria: ACMG Guidelines, 2015. Collection method: clinical testing. Allele origin: germline. Inheritance: Autosomal dominant inheritance. Affected: yes. Observed: 1 heterozygote.

3billion
Classification: Pathogenic for Developmental and epileptic encephalopathy, 14. Last evaluated: 2022-09-01. Review status: criteria provided, single submitter. Criteria: ACMG Guidelines, 2015. Collection method: clinical testing. Allele origin: germline. Affected: yes. Observed: 1 heterozygote.
Comment: The variant is not observed in the gnomAD v2.1.1 dataset. Missense changes are a common disease-causing mechanism. Same nucleotide change resulting in same amino acid change has been previously reported as pathogenic/likely pathogenic with strong evidence (ClinVar ID: VCV000286710). The variant has been previously reported as de novo in at least two similarly affected unrelated individuals (PMID: 26122718 , 27029629 , 29100083). A different missense change at the same codon (p.Arg950Leu) has been reported to be associated with KCNT1-related disorder (ClinVar ID: VCV000473378). Therefore, this variant is classified as Pathogenic according to the recommendation of ACMG/AMP guideline.

Blueprint Genetics
Classification: Pathogenic for KCNT1-related disorders. Last evaluated: 2022-05-19. Review status: criteria provided, single submitter. Criteria: ACMG Guidelines, 2015. Collection method: clinical testing. Allele origin: germline. Affected: yes. Observed: 4 variant alleles.

GeneDx
Classification: Pathogenic. Last evaluated: 2022-04-29. Review status: criteria provided, single submitter. Criteria: GeneDx Variant Classification Process June 2021. Collection method: clinical testing. Allele origin: germline. Affected: yes.
Comment: Published functional studies demonstrate a gain-of-function phenotype (Dilena et al., 2018); Not observed at significant frequency in large population cohorts (gnomAD); In silico analysis supports that this missense variant has a deleterious effect on protein structure/function; This variant is associated with the following publications: (PMID: 29694806, 29056246, 26122718, 27029629, 29196578, 28488083, 29100083, 31487502, 30847371, 32167590, 30112700)

Cytogénomique, Hospices Civils de Lyon
Classification: Pathogenic for Seizure. Last evaluated: 2021-05-17. Review status: criteria provided, single submitter. Criteria: ACMG Guidelines, 2015. Collection method: clinical testing. Allele origin: de novo. Inheritance: Sporadic. Affected: yes. Observed: 1 variant allele, 1 heterozygote.
Comment: missense variant absnet from gnomad. Previously described in the litterature. de novo

Institute of Medical Genetics and Applied Genomics, University Hospital Tübingen
Classification: Pathogenic. Last evaluated: 2020-10-23. Review status: criteria provided, single submitter. Criteria: ACMG Guidelines, 2015. Collection method: clinical testing. Allele origin: germline. Inheritance: Autosomal dominant inheritance. Affected: yes.

Cytogénomique, Hospices Civils de Lyon
Classification: Pathogenic for Developmental and epileptic encephalopathy, 14. Last evaluated: 2017-02-15. Review status: criteria provided, single submitter. Criteria: ACMG Guidelines, 2015. Collection method: clinical testing. Allele origin: unknown. Inheritance: Autosomal dominant inheritance. Affected: yes.

Eurofins Ntd Llc (ga)
Classification: Uncertain significance. Last evaluated: 2016-03-28. Review status: criteria provided, single submitter. Criteria: EGL Classification Definitions 2015. Collection method: clinical testing. Allele origin: germline. Observed: 1 variant allele, 1 heterozygote.

Solve-RD Consortium
Classification: Likely pathogenic for Autosomal dominant nocturnal frontal lobe epilepsy 5. Review status: criteria provided, single submitter. Criteria: ACMG Guidelines, 2015. Collection method: provider interpretation. Allele origin: germline. Inheritance: Autosomal dominant inheritance. Affected: yes. Study: Solve-RD DIFT-EpiCARE reanalysis.
Comment: PS3, PS2, PM2, PM5

Variant identified during reanalysis of unsolved cases by the Solve-RD project. The Solve-RD project has received funding from the European Union’s Horizon 2020 research and innovation programme under grant agreement No 779257.

Literature cited by the submitters: PubMed 26122718 (cited by 4 submitters); PubMed 27029629 (cited by 3 submitters); PubMed 29100083 (cited by 3 submitters); PubMed 30112700 (cited by Ambry Genetics); PubMed 30847371 (cited by Ambry Genetics); PubMed 31487502 (cited by Ambry Genetics); PubMed 32167590 (cited by Ambry Genetics); PubMed 34114611 (cited by Ambry Genetics); PubMed 37177976 (cited by Ambry Genetics).

NM_020822.3(KCNT1):c.2849G>A (p.Arg950Gln)

Gene: KCNT1 (potassium sodium-activated channel subfamily T member 1; plus strand). Cytogenetic location: 9q34.3.
Variant type: single nucleotide variant.
Coding change: c.2849G>A on transcript NM_020822.3 (MANE Select); coding-DNA position 2849, G replaced by A.
Protein change: p.Arg950Gln; replaces arginine 950 with glutamine.
Molecular consequence: missense variant.
Genome position (GRCh38, 1-based): chr9:135,784,031, G>A. VCF-style: chr9-135784031-G-A. GRCh37 (hg19) VCF-style: chr9-138675877-G-A.
Other names: c.2714G>A, p.Arg905Gln (NM_001272003.2); short protein forms R950Q, R905Q.
Identifiers: ClinVar variation 286710 (VCV000286710.29), dbSNP rs886043455, ClinGen allele CA10605542.